The following is an entry in ClinVar:

ClinVar aggregate classification (germline): Conflicting classifications of pathogenicity. Review status: criteria provided, conflicting classifications (1 of 4 stars). 19 submissions from 18 submitters: Uncertain significance (1); Benign (7); Likely benign (6). 5 of the submissions do not count toward it. Last evaluated 2026-02-04.

Conditions:
Cardiovascular phenotype. Identifiers: MedGen CN230736.
Myofibrillar myopathy 6. Identifiers: Orphanet 199340, MedGen C2751831, MONDO:0013061, OMIM 612954.
Dilated cardiomyopathy 1HH (CMD1HH). Identifiers: Orphanet 154, MedGen C3151293, MONDO:0013479, OMIM 613881.
Cardiomyopathy (CMYO). Also called: Cardiomyopathies. Identifiers: Orphanet 167848, MedGen C0878544, MONDO:0004994, HP:0001638. Inheritance: Various modes of inheritance.

Allele frequency attached by ClinVar (database versions not stated): 1000 Genomes Project 30x 0.00031; 1000 Genomes Project 0.00040; TOPMed 0.00111; gnomAD exomes 0.00116 and 0.00157; ExAC 0.00131; gnomAD 0.00137 and 0.00141; ESP Exome Variant Server 0.00169.
gnomAD v4.1: 2,455 of 1,613,910 alleles (0.15%); highest among the groups gnomAD compares: Non-Finnish European, 0.19%; 3 homozygotes.

Submissions (19):

Labcorp Genetics (formerly Invitae), Labcorp
Classification: Benign for Dilated cardiomyopathy 1HH; Myofibrillar myopathy 6. Last evaluated: 2026-02-04. Review status: criteria provided, single submitter. Criteria: Invitae Variant Classification Sherloc (09022015). Collection method: clinical testing. Allele origin: germline.

Mayo Clinic Laboratories, Mayo Clinic
Classification: Likely benign. Last evaluated: 2025-11-30. Review status: criteria provided, single submitter. Criteria: ACMG Guidelines, 2015. Collection method: clinical testing. Allele origin: germline. Observed: 17 variant alleles.
Comment: BS1, BP4, BP7

CeGaT Center for Human Genetics Tuebingen
Classification: Likely benign. Last evaluated: 2025-11-01. Review status: criteria provided, single submitter. Criteria: CeGaT Center For Human Genetics Tuebingen Variant Classification Criteria Version 2. Collection method: clinical testing. Allele origin: germline. Affected: yes. Observed: 9 variant alleles.
Comment: BAG3: BP4, BP7, BS1

ARUP Laboratories, Molecular Genetics and Genomics, ARUP Laboratories
Classification: Benign. Last evaluated: 2025-05-21. Review status: criteria provided, single submitter. Criteria: ARUP Molecular Germline Variant Investigation Process 2024. Collection method: clinical testing. Allele origin: germline.

Molecular Diagnostic Laboratory for Inherited Cardiovascular Disease, Montreal Heart Institute
Classification: Benign. Last evaluated: 2025-04-09. Review status: criteria provided, single submitter. Criteria: ACMG Guidelines, 2015. Collection method: clinical testing. Allele origin: germline. Affected: no.

Blueprint Genetics
Classification: Likely benign. Last evaluated: 2024-11-27. Review status: criteria provided, single submitter. Criteria: ACMG Guidelines, 2015. Collection method: clinical testing. Allele origin: germline.

CHEO Genetics Diagnostic Laboratory, Children's Hospital of Eastern Ontario
Classification: Benign for Cardiomyopathy. Last evaluated: 2023-02-24. Review status: criteria provided, single submitter. Criteria: ACMG Guidelines, 2015. Collection method: clinical testing. Allele origin: germline.

Women's Health and Genetics/Laboratory Corporation of America, LabCorp
Classification: Benign. Last evaluated: 2020-10-31. Review status: criteria provided, single submitter. Criteria: LabCorp Variant Classification Summary - May 2015. Collection method: clinical testing. Allele origin: germline.

Illumina Laboratory Services, Illumina
Classification: Uncertain significance for Dilated cardiomyopathy 1HH. Last evaluated: 2018-01-13. Review status: criteria provided, single submitter. Criteria: ICSL Variant Classification Criteria 13 December 2019. Collection method: clinical testing. Allele origin: germline.

Illumina Laboratory Services, Illumina
Classification: Benign for Myofibrillar myopathy 6. Last evaluated: 2018-01-13. Review status: criteria provided, single submitter. Criteria: ICSL Variant Classification Criteria 13 December 2019. Collection method: clinical testing. Allele origin: germline.
Comment: This variant was observed in the ICSL laboratory as part of a predisposition screen in an ostensibly healthy population. It had not been previously curated by ICSL or reported in the Human Gene Mutation Database (HGMD: prior to June 1st, 2018), and was therefore a candidate for classification through an automated scoring system. Utilizing variant allele frequency, disease prevalence and penetrance estimates, and inheritance mode, an automated score was calculated to assess if this variant is too frequent to cause the disease. Based on the score and internal cut-off values, a variant classified as benign is not then subjected to further curation. The score for this variant resulted in a classification of benign for this disease.

Laboratory for Molecular Medicine, Mass General Brigham Personalized Medicine
Classification: Likely benign. Last evaluated: 2016-07-01. Review status: criteria provided, single submitter. Criteria: LMM Criteria. Collection method: clinical testing. Allele origin: germline. Observed: 8 variant alleles.
Comment: p.Ser183Ser in exon 3 of BAG3: This variant is not expected to have clinical sig nificance because it does not alter an amino acid residue and is not located wit hin the splice consensus sequence. It has been identified in 0.2% (124/64464) of European chromosomes by the Exome Aggregation Consortium (ExAC; dbSNP rs112929734).

Ambry Genetics
Classification: Likely benign for Cardiovascular phenotype. Last evaluated: 2015-08-12. Review status: criteria provided, single submitter. Criteria: Ambry Variant Classification Scheme 2023. Collection method: clinical testing. Allele origin: germline.

GeneDx
Classification: Benign. Last evaluated: 2014-04-21. Review status: criteria provided, single submitter. Criteria: GeneDx Variant Classification (06012015). Collection method: clinical testing. Allele origin: germline. Affected: yes.
Comment: This variant is considered likely benign or benign based on one or more of the following criteria: it is a conservative change, it occurs at a poorly conserved position in the protein, it is predicted to be benign by multiple in silico algorithms, and/or has population frequency not consistent with disease.

PreventionGenetics, part of Exact Sciences
Classification: Likely benign. Review status: criteria provided, single submitter. Criteria: ACMG Guidelines, 2015. Collection method: clinical testing. Allele origin: germline.

Clinical Genetics DNA and cytogenetics Diagnostics Lab, Erasmus MC, Erasmus Medical Center
Classification: Likely benign. Review status: no assertion criteria provided. Collection method: clinical testing. Allele origin: germline. Affected: yes. Study: VKGL Data-share Consensus. Not counted in ClinVar's aggregate classification.

Clinical Genetics, Academic Medical Center
Classification: Benign. Review status: no assertion criteria provided. Collection method: clinical testing. Allele origin: germline. Affected: yes. Study: VKGL Data-share Consensus. Not counted in ClinVar's aggregate classification.

Diagnostic Laboratory, Department of Genetics, University Medical Center Groningen
Classification: Likely benign. Review status: no assertion criteria provided. Collection method: clinical testing. Allele origin: germline. Affected: yes. Study: VKGL Data-share Consensus. Not counted in ClinVar's aggregate classification.

Genome Diagnostics Laboratory, University Medical Center Utrecht
Classification: Likely benign. Review status: no assertion criteria provided. Collection method: clinical testing. Allele origin: germline. Affected: yes. Study: VKGL Data-share Consensus. Not counted in ClinVar's aggregate classification.

Joint Genome Diagnostic Labs from Nijmegen and Maastricht, Radboudumc and MUMC+
Classification: Benign. Review status: no assertion criteria provided. Collection method: clinical testing. Allele origin: germline. Affected: yes. Study: VKGL Data-share Consensus. Not counted in ClinVar's aggregate classification.

NM_004281.4(BAG3):c.549C>G (p.Ser183=)

Gene: BAG3 (BAG cochaperone 3; plus strand). Cytogenetic location: 10q26.11.
Variant type: single nucleotide variant.
Coding change: c.549C>G on transcript NM_004281.4 (MANE Select); coding-DNA position 549, C replaced by G.
Protein change: p.Ser183=; no amino-acid change (serine 183 retained).
Molecular consequence: synonymous variant.
Genome position (GRCh38, 1-based): chr10:119,672,296, C>G. VCF-style: chr10-119672296-C-G. GRCh37 (hg19) VCF-style: chr10-121431808-C-G.
Other names: p.S183S:TCC>TCG; p.Ser183=.
Identifiers: ClinVar variation 136493 (VCV000136493.69), dbSNP rs112929734, ClinGen allele CA295670.